The following is an entry in ClinVar:

ClinVar aggregate classification (germline): Uncertain significance (1 of 4 stars; one submission).

Conditions:
Hereditary cancer-predisposing syndrome. Also called: Neoplastic Syndromes, Hereditary; Tumor predisposition; Hereditary neoplastic syndrome; Hereditary Cancer Syndrome. Identifiers: Orphanet 140162, MedGen C0027672, MeSH D009386, MONDO:0015356.

Submission:

Ambry Genetics
Classification: Uncertain significance for Hereditary cancer-predisposing syndrome. Last evaluated: 2026-07-06. Review status: criteria provided, single submitter. Criteria: Ambry Variant Classification Scheme 2023. Collection method: clinical testing. Allele origin: germline.
Comment: The p.D285N variant (also known as c.853G>A), located in coding exon 5 of the MEN1 gene, results from a G to A substitution at nucleotide position 853. The aspartic acid at codon 285 is replaced by asparagine, an amino acid with highly similar properties. This amino acid position is conserved. In addition, the in silico prediction for this alteration is inconclusive. Based on the available evidence, the clinical significance of this variant remains unclear.

NM_001370259.2(MEN1):c.853G>A (p.Asp285Asn)

Gene: MEN1 (menin 1; minus strand). Cytogenetic location: 11q13.1.
Variant type: single nucleotide variant.
Coding change: c.853G>A on transcript NM_001370259.2 (MANE Select); coding-DNA position 853, G replaced by A.
Protein change: p.Asp285Asn; replaces aspartic acid 285 with asparagine.
Molecular consequence: missense variant. On other transcripts: non-coding transcript variant (4).
Genome position (GRCh38, 1-based): chr11:64,807,070, C>T on the plus strand (G>A on the coding strand, the complement: MEN1 is on the minus strand). VCF-style: chr11-64807070-C-T. GRCh37 (hg19) VCF-style: chr11-64574542-C-T.
Other names: c.868G>A, p.Asp290Asn (NM_000244.4, NM_001407145.1, NM_001407150.1 and 5 more transcripts); c.853G>A, p.Asp285Asn (NM_001370251.2, NM_001370260.2, NM_001370261.2 and 7 more transcripts); c.748G>A, p.Asp250Asn (NM_001370262.2, NM_001370263.2, NM_001407148.1 and 2 more transcripts); short protein forms D290N, D250N, D285N.
Identifiers: ClinVar variation 5024281 (VCV005024281.1).
Genomic context (GRCh38, chr11:64,807,070, plus strand): 5'-CCTTGTGGTAGAGGGTGAGTGGGTCTGGCCGGCCAGGGGTGGGCTCCAGCTCCTCTAGAT[C>T]TGCCAGGTTCCCTAAGGCCATGGGGTACCTAGGAAAGGATCATAATTCAGGCTGCCACCC-3'
Protein context (NP_001357188.2, residues 275-295): RYPMALGNLA[Asp285Asn]LEELEPTPGR